The following is an entry in ClinVar:

NM_002878.4(RAD51D):c.849A>G (p.Gly283=)

Genes: RAD51D (RAD51 paralog D; minus strand), RAD51L3-RFFL (RAD51L3-RFFL readthrough; minus strand). Cytogenetic location: 17q12.
Variant type: single nucleotide variant.
Coding change: c.849A>G on transcript NM_002878.4 (MANE Select); coding-DNA position 849, A replaced by G.
Protein change: p.Gly283=; no amino-acid change (glycine 283 retained).
Molecular consequence: synonymous variant. On other transcripts: non-coding transcript variant (3).
Genome position (GRCh38, 1-based): chr17:35,101,255, T>C on the plus strand (A>G on the coding strand, the complement: RAD51D is on the minus strand). VCF-style: chr17-35101255-T-C. GRCh37 (hg19) VCF-style: chr17-33428274-T-C.
Other names: c.909A>G, p.Gly303= (NM_001142571.2); c.513A>G, p.Gly171= (NM_133629.3).
Identifiers: ClinVar variation 3903438 (VCV003903438.1).

ClinVar aggregate classification (germline): Benign (1 of 4 stars; one submission).

Conditions:
Breast-ovarian cancer, familial, susceptibility to, 4. Identifiers: Orphanet 145, MedGen C3280345, MONDO:0013669, OMIM 614291.

Submission:

Myriad Genetics, Inc.
Classification: Benign for Breast-ovarian cancer, familial, susceptibility to, 4. Last evaluated: 2025-02-25. Review status: criteria provided, single submitter. Criteria: Myriad Autosomal Dominant, Autosomal Recessive and X-Linked Classification Criteria (2023). Collection method: clinical testing. Allele origin: unknown.
Comment: This variant is considered benign. This variant is a silent/synonymous amino acid change and it is not expected to impact splicing.